The following is an entry in ClinVar:

ClinVar aggregate classification (germline): Uncertain significance. Review status: criteria provided, multiple submitters, no conflicts (2 of 4 stars). 2 submissions from 2 submitters: Uncertain significance (2). Last evaluated 2023-08-01.

Conditions:
Polyhydramnios, megalencephaly, and symptomatic epilepsy (PMSE). Also called: PMSE SYNDROME. Identifiers: Orphanet 500533, MedGen C1970203, MONDO:0012611, OMIM 611087.

Allele frequency attached by ClinVar (database versions not stated): TOPMed below 0.00001; gnomAD 0.00001; gnomAD exomes 0.00005 and 0.00011; ExAC 0.00012.
gnomAD v4.1: 79 of 1,612,730 alleles (0.0049%); highest among the groups gnomAD compares: South Asian, 0.077%; no homozygotes.

Submissions (2):

CeGaT Center for Human Genetics Tuebingen
Classification: Uncertain significance. Last evaluated: 2023-08-01. Review status: criteria provided, single submitter. Criteria: CeGaT Center For Human Genetics Tuebingen Variant Classification Criteria Version 2. Collection method: clinical testing. Allele origin: germline. Affected: yes. Observed: 1 variant allele.
Comment: STRADA: PM2

Labcorp Genetics (formerly Invitae), Labcorp
Classification: Uncertain significance for Polyhydramnios, megalencephaly, and symptomatic epilepsy. Last evaluated: 2020-09-15. Review status: criteria provided, single submitter. Criteria: Invitae Variant Classification Sherloc (09022015). Collection method: clinical testing. Allele origin: germline.
Comment: Algorithms developed to predict the effect of missense changes on protein structure and function are either unavailable or do not agree on the potential impact of this missense change (SIFT: "Tolerated"; PolyPhen-2: "Possibly Damaging"; Align-GVGD: "Class C0"). Algorithms developed to predict the effect of sequence changes on RNA splicing suggest that this variant may create or strengthen a splice site, but this prediction has not been confirmed by published transcriptional studies. In summary, the available evidence is currently insufficient to determine the role of this variant in disease. Therefore, it has been classified as a Variant of Uncertain Significance. This variant has not been reported in the literature in individuals with STRADA-related conditions. This sequence change replaces alanine with valine at codon 45 of the STRADA protein (p.Ala45Val). The alanine residue is moderately conserved and there is a small physicochemical difference between alanine and valine. This variant is present in population databases (rs777619656, ExAC 0.09%).

NM_001003787.4(STRADA):c.134C>T (p.Ala45Val)

Gene: STRADA (STE20 related adaptor alpha; minus strand). Cytogenetic location: 17q23.3.
Variant type: single nucleotide variant.
Coding change: c.134C>T on transcript NM_001003787.4 (MANE Select); coding-DNA position 134, C replaced by T.
Protein change: p.Ala45Val; replaces alanine 45 with valine.
Molecular consequence: missense variant. On other transcripts: 5 prime UTR variant (3), non-coding transcript variant (1), intron variant (1).
Genome position (GRCh38, 1-based): chr17:63,714,098, G>A on the plus strand (C>T on the coding strand, the complement: STRADA is on the minus strand). VCF-style: chr17-63714098-G-A. GRCh37 (hg19) VCF-style: chr17-61791458-G-A.
Other names: c.23C>T, p.Ala8Val (NM_001003786.3, NM_001363789.1, NM_153335.6); c.-41C>T (NM_001003788.3, NM_001363790.1, NM_001363791.1); c.47C>T, p.Ala16Val (NM_001165969.2, NM_001363787.1); c.110C>T, p.Ala37Val (NM_001363786.1); c.134C>T, p.Ala45Val (NM_001363788.1); c.95-571C>T (NM_001165970.2); short protein forms A16V, A37V, A45V, A8V.
Identifiers: ClinVar variation 1055859 (VCV001055859.30), dbSNP rs777619656, ClinGen allele CA8703477.